The following is an entry in ClinVar:

NM_020191.4(MRPS22):c.42GAG[1] (p.Arg15del)

Gene: MRPS22 (mitochondrial ribosomal protein S22; plus strand). Cytogenetic location: 3q23.
Variant type: Microsatellite.
Coding change: c.42GAG[1] on transcript NM_020191.4 (MANE Select); one copy of the 3-base unit GAG starting at c.42; the reference has two copies in a row; one copy, 3 bases deleted; also written c.45_47del.
Protein change: p.Arg15del; deletes arginine 15.
Molecular consequence: inframe deletion.
Genome position (GRCh38, 1-based): chr3:139,344,071-139,344,073, GAG deleted; deleting any 3 consecutive bases within chr3:139,344,068-139,344,073 gives the same sequence; the position shown is the placement nearest the transcript's 3' end. VCF-style (leftmost placement, unchanged base first): chr3-139344067-TGAG-T. GRCh37 (hg19) VCF-style: chr3-139062909-TGAG-T.
Other names: c.42GAG[1], p.Arg15del (NM_001363893.1); c.45_47delGAG (NM_020191.2); c.45_47del (NM_020191.2); short protein forms R15del.
Identifiers: ClinVar variation 521612 (VCV000521612.6), dbSNP rs988997203, ClinGen allele CA83992520.

ClinVar aggregate classification (germline): Uncertain significance. Review status: criteria provided, multiple submitters, no conflicts (2 of 4 stars). 2 submissions from 2 submitters: Uncertain significance (2). Last evaluated 2025-06-15.

Conditions:
Inborn genetic diseases. Identifiers: MedGen C0950123, MeSH D030342.

Submissions (2):

GeneDx
Classification: Uncertain significance. Last evaluated: 2025-06-15. Review status: criteria provided, single submitter. Criteria: GeneDx Variant Classification Process June 2021. Collection method: clinical testing. Allele origin: germline.
Comment: In-frame deletion of 1 amino acid(s) in a non-repeat region; In silico analysis suggests that this variant does not alter protein structure/function; Has not been previously published as pathogenic or benign to our knowledge

Ambry Genetics
Classification: Uncertain significance for Inborn genetic diseases. Last evaluated: 2017-03-27. Review status: criteria provided, single submitter. Criteria: Ambry exome assertion method (8-5-2015). Collection method: clinical testing. Allele origin: germline. Affected: yes. Observed: 1 variant allele.